The following is an entry in ClinVar:

NM_001184.4(ATR):c.4711T>C (p.Ser1571Pro)

Gene: ATR (ATR checkpoint kinase; minus strand). Cytogenetic location: 3q23.
Variant type: single nucleotide variant.
Coding change: c.4711T>C on transcript NM_001184.4 (MANE Select); coding-DNA position 4711, T replaced by C.
Protein change: p.Ser1571Pro; replaces serine 1571 with proline.
Molecular consequence: missense variant.
Genome position (GRCh38, 1-based): chr3:142,512,401, A>G on the plus strand (T>C on the coding strand, the complement: ATR is on the minus strand). VCF-style: chr3-142512401-A-G. GRCh37 (hg19) VCF-style: chr3-142231243-A-G.
Other names: c.4519T>C, p.Ser1507Pro (NM_001354579.2); short protein forms S1507P, S1571P.
Identifiers: ClinVar variation 1970028 (VCV001970028.5), dbSNP rs2032623755, ClinGen allele CA354795594.
Genomic context (GRCh38, chr3:142,512,401, plus strand): 5'-ACTGTGTGAGATGGTCAAGCATGGAGAACACAGTCTGTGTACTGAGTTGACACAGATCAG[A>G]TGCAATGTCTTGGGTATTTATGGTATGCTGATCGTCATGCTTTAGAACTGCCATAATTTC-3'
Protein context (NP_001175.2, residues 1561-1581): QHTINTQDIA[Ser1571Pro]DLCQLSTQTV

ClinVar aggregate classification (germline): Uncertain significance (1 of 4 stars; one submission).

Allele frequency attached by ClinVar (database versions not stated): gnomAD 0.00001.
gnomAD v4.1: 1 of 1,613,844 alleles (0.000062%); highest among the groups gnomAD compares: South Asian, 0.0011%; no homozygotes.

Submission:

Labcorp Genetics (formerly Invitae), Labcorp
Classification: Uncertain significance. Last evaluated: 2024-02-23. Review status: criteria provided, single submitter. Criteria: Invitae Variant Classification Sherloc (09022015). Collection method: clinical testing. Allele origin: germline.
Comment: This sequence change replaces serine, which is neutral and polar, with proline, which is neutral and non-polar, at codon 1571 of the ATR protein (p.Ser1571Pro). This variant is not present in population databases (gnomAD no frequency). This variant has not been reported in the literature in individuals affected with ATR-related conditions. ClinVar contains an entry for this variant (Variation ID: 1970028). An algorithm developed to predict the effect of missense changes on protein structure and function (PolyPhen-2) suggests that this variant is likely to be disruptive. In summary, the available evidence is currently insufficient to determine the role of this variant in disease. Therefore, it has been classified as a Variant of Uncertain Significance.